The following is an entry in ClinVar:

ClinVar aggregate classification (germline): Uncertain significance. Review status: criteria provided, multiple submitters, no conflicts (2 of 4 stars). 4 submissions from 4 submitters: Uncertain significance (4). Last evaluated 2023-12-18.

Conditions:
Acute myeloid leukemia (AML). Also called: Leukemia, acute myeloid, somatic; Leukemia, acute myelogenous, somatic; Acute myeloid leukemia, adult; AML adult; Acute non-lymphocytic leukemia; Acute granulocytic leukemia. Identifiers: Orphanet 519, MedGen C0023467, MeSH D015470, MONDO:0018874, OMIM 601626, HP:0004808. Disease mechanism: Constitutively activated FLT3.
Interstitial lung disease 2 (ILD2). Also called: FIBROCYSTIC PULMONARY DYSPLASIA; FIBROSING ALVEOLITIS, CRYPTOGENIC; Familial idiopathic pulmonary fibrosis. Identifiers: Orphanet 2032, Orphanet 79126, MedGen C5561926, MONDO:0800497, OMIM 178500, MONDO:0800029.
Aplastic anemia. Identifiers: Orphanet 182040, Orphanet 88, MedGen C0002874, MONDO:0015909, OMIM 609135, HP:0001915.
Dyskeratosis congenita, autosomal dominant 2. Identifiers: MedGen C3151443, MONDO:0013521, OMIM 613989.
Pulmonary fibrosis and/or bone marrow failure, Telomere-related, 1. Also called: PULMONARY FIBROSIS AND/OR BONE MARROW FAILURE SYNDROME, TELOMERE-RELATED, 1. Identifiers: Orphanet 88, MedGen C3553617, MONDO:0013878, OMIM 614742.
Melanoma, cutaneous malignant, susceptibility to, 9. Also called: Cutaneous malignant melanoma 9. Identifiers: Orphanet 618, MedGen C3554574, MONDO:0014056, OMIM 615134.
Dyskeratosis congenita, autosomal dominant 1 (DKCA1). Also called: Dyskeratosis congenita Scoggins type. Identifiers: Orphanet 1775, MedGen C4551974, MONDO:0007485, OMIM 127550. Inheritance: Variable.
Dyskeratosis congenita. Identifiers: Orphanet 1775, MedGen C0265965, MONDO:0015780.
Idiopathic Pulmonary Fibrosis. Also called: Idiopathic fibrosing alveolitis, chronic form; idiopathic fibrosing alveolitis. Identifiers: Orphanet 2032, MedGen C1800706, MeSH D054990, MONDO:0800504.

Allele frequency attached by ClinVar (database versions not stated): TOPMed below 0.00001.

Submissions (4):

GeneDx
Classification: Uncertain significance. Last evaluated: 2023-12-18. Review status: criteria provided, single submitter. Criteria: GeneDx Variant Classification Process June 2021. Collection method: clinical testing. Allele origin: germline. Affected: yes.
Comment: Has not been previously published as pathogenic or benign to our knowledge; Not observed at significant frequency in large population cohorts (gnomAD); In silico analysis supports that this missense variant does not alter protein structure/function

Fulgent Genetics
Classification: Uncertain significance for Dyskeratosis congenita, autosomal dominant 1; Interstitial lung disease 2; Acute myeloid leukemia; Aplastic anemia; Dyskeratosis congenita, autosomal dominant 2; Pulmonary fibrosis and/or bone marrow failure, Telomere-related, 1; Melanoma, cutaneous malignant, susceptibility to, 9. Last evaluated: 2022-05-17. Review status: criteria provided, single submitter. Criteria: ACMG Guidelines, 2015. Collection method: clinical testing. Allele origin: unknown.

Labcorp Genetics (formerly Invitae), Labcorp
Classification: Uncertain significance for Dyskeratosis congenita, autosomal dominant 2; Idiopathic Pulmonary Fibrosis. Last evaluated: 2022-04-19. Review status: criteria provided, single submitter. Criteria: Invitae Variant Classification Sherloc (09022015). Collection method: clinical testing. Allele origin: germline.
Comment: This sequence change replaces alanine, which is neutral and non-polar, with glycine, which is neutral and non-polar, at codon 357 of the TERT protein (p.Ala357Gly). This variant is not present in population databases (gnomAD no frequency). This variant has not been reported in the literature in individuals affected with TERT-related conditions. Advanced modeling of protein sequence and biophysical properties (such as structural, functional, and spatial information, amino acid conservation, physicochemical variation, residue mobility, and thermodynamic stability) performed at Invitae indicates that this missense variant is not expected to disrupt TERT protein function. In summary, the available evidence is currently insufficient to determine the role of this variant in disease. Therefore, it has been classified as a Variant of Uncertain Significance.

Ambry Genetics
Classification: Uncertain significance for Dyskeratosis congenita. Last evaluated: 2022-02-08. Review status: criteria provided, single submitter. Criteria: Ambry Variant Classification Scheme 2023. Collection method: clinical testing. Allele origin: germline.
Comment: The p.A357G variant (also known as c.1070C>G), located in coding exon 2 of the TERT gene, results from a C to G substitution at nucleotide position 1070. The alanine at codon 357 is replaced by glycine, an amino acid with similar properties. This amino acid position is conserved. In addition, the in silico prediction for this alteration is inconclusive. Since supporting evidence is limited at this time, the clinical significance of this alteration remains unclear.

NM_198253.3(TERT):c.1070C>G (p.Ala357Gly)

Gene: TERT (telomerase reverse transcriptase; minus strand). Cytogenetic location: 5p15.33.
Variant type: single nucleotide variant.
Coding change: c.1070C>G on transcript NM_198253.3 (MANE Select); coding-DNA position 1070, C replaced by G.
Protein change: p.Ala357Gly; replaces alanine 357 with glycine.
Molecular consequence: missense variant. On other transcripts: non-coding transcript variant (2).
Genome position (GRCh38, 1-based): chr5:1,293,816, G>C on the plus strand (C>G on the coding strand, the complement: TERT is on the minus strand). VCF-style: chr5-1293816-G-C. GRCh37 (hg19) VCF-style: chr5-1293931-G-C.
Other names: c.1070C>G, p.Ala357Gly (NM_001193376.3); short protein forms A357G.
Identifiers: ClinVar variation 1412183 (VCV001412183.9), dbSNP rs1751166833, ClinGen allele CA359055713.